The following is an entry in ClinVar:

NM_000260.4(MYO7A):c.5481-3C>T

Gene: MYO7A (myosin VIIA; plus strand). Cytogenetic location: 11q13.5.
Variant type: single nucleotide variant.
Coding change: c.5481-3C>T on transcript NM_000260.4 (MANE Select); 3 bases into the intron before coding-DNA position 5481, C replaced by T.
Molecular consequence: intron variant.
Genome position (GRCh38, 1-based): chr11:77,205,459, C>T. VCF-style: chr11-77205459-C-T. GRCh37 (hg19) VCF-style: chr11-76916504-C-T.
Other names: c.5334-3C>T (NM_001369365.1); c.5367-3C>T (NM_001127180.2).
Identifiers: ClinVar variation 4798507 (VCV004798507.1).

ClinVar aggregate classification (germline): Uncertain significance (1 of 4 stars; one submission).

Submission:

Labcorp Genetics (formerly Invitae), Labcorp
Classification: Uncertain significance. Last evaluated: 2025-10-06. Review status: criteria provided, single submitter. Criteria: Invitae Variant Classification Sherloc (09022015). Collection method: clinical testing. Allele origin: germline.
Comment: This sequence change falls in intron 39 of the MYO7A gene. It does not directly change the encoded amino acid sequence of the MYO7A protein. It affects a nucleotide within the consensus splice site. This variant is not present in population databases (gnomAD no frequency). This variant has not been reported in the literature in individuals affected with MYO7A-related conditions. Variants that disrupt the consensus splice site are a relatively common cause of aberrant splicing (PMID: 17576681, 9536098). Algorithms developed to predict the effect of sequence changes on RNA splicing suggest that this variant is not likely to affect RNA splicing. In summary, the available evidence is currently insufficient to determine the role of this variant in disease. Therefore, it has been classified as a Variant of Uncertain Significance.

Literature cited by the submitters: PubMed 17576681; PubMed 9536098.